The following is an entry in ClinVar:

ClinVar aggregate classification (germline): Likely benign. Review status: criteria provided, single submitter (1 of 4 stars). 2 submissions from 2 submitters: Likely benign (1). 1 of the submissions does not count toward it. Last evaluated 2024-08-07.

Conditions:
AFF4-related disorder. Also called: AFF4-related condition.

Allele frequency attached by ClinVar (database versions not stated): ExAC 0.00002; gnomAD exomes 0.00002; TOPMed 0.00002; gnomAD 0.00003.
gnomAD v4.1: 27 of 1,613,946 alleles (0.0017%); highest among the groups gnomAD compares: Admixed American, 0.0083%; no homozygotes.

Submissions (2):

Blueprint Genetics
Classification: Likely benign. Last evaluated: 2024-08-07. Review status: criteria provided, single submitter. Criteria: ACMG Guidelines, 2015. Collection method: clinical testing. Allele origin: germline.

PreventionGenetics, part of Exact Sciences
Classification: Likely benign for AFF4-related condition. Last evaluated: 2023-02-28. Review status: no assertion criteria provided. Collection method: clinical testing. Allele origin: germline. Not counted in ClinVar's aggregate classification.
Comment: This variant is classified as likely benign based on ACMG/AMP sequence variant interpretation guidelines (Richards et al. 2015 PMID: 25741868, with internal and published modifications).

NM_014423.4(AFF4):c.3267C>T (p.Ile1089=)

Gene: AFF4 (ALF transcription elongation factor 4; minus strand). Cytogenetic location: 5q31.1.
Variant type: single nucleotide variant.
Coding change: c.3267C>T on transcript NM_014423.4 (MANE Select); coding-DNA position 3267, C replaced by T.
Protein change: p.Ile1089=; no amino-acid change (isoleucine 1089 retained).
Molecular consequence: synonymous variant.
Genome position (GRCh38, 1-based): chr5:132,883,437, G>A on the plus strand (C>T on the coding strand, the complement: AFF4 is on the minus strand). VCF-style: chr5-132883437-G-A. GRCh37 (hg19) VCF-style: chr5-132219129-G-A.
Identifiers: ClinVar variation 3054872 (VCV003054872.3), dbSNP rs761557820, ClinGen allele CA3408703.